The following is an entry in ClinVar:

ClinVar aggregate classification (germline): Uncertain significance (1 of 4 stars; one submission).

gnomAD v4.1: 19 of 1,613,778 alleles (0.0012%); highest among the groups gnomAD compares: African/African-American, 0.0027%; no homozygotes.

Submission:

Women's Health and Genetics/Laboratory Corporation of America, LabCorp
Classification: Uncertain significance. Last evaluated: 2026-04-06. Review status: criteria provided, single submitter. Criteria: LabCorp Variant Classification Summary - May 2015. Collection method: clinical testing. Allele origin: germline.
Comment: Variant summary: ADAMTS2 c.2290+3G>A alters a conserved nucleotide located close to a canonical splice site and therefore could affect mRNA splicing, leading to a significantly altered protein sequence. Consensus agreement among computation tools predict no significant impact on normal splicing. However, these predictions have yet to be confirmed by functional studies. The variant allele was found at a frequency of 4e-06 in 251260 control chromosomes. The available data on variant occurrences in the general population are insufficient to allow any conclusion about variant significance. To our knowledge, no occurrence of c.2290+3G>A in individuals affected with ADAMTS2-related conditions and no experimental evidence demonstrating its impact on protein function have been reported. No submitters have cited clinical-significance assessments for this variant to ClinVar. Based on the evidence outlined above, the variant was classified as uncertain significance.

NM_014244.5(ADAMTS2):c.2290+3G>A

Gene: ADAMTS2 (ADAM metallopeptidase with thrombospondin type 1 motif 2; minus strand). Cytogenetic location: 5q35.3.
Variant type: single nucleotide variant.
Coding change: c.2290+3G>A on transcript NM_014244.5 (MANE Select); 3 bases into the intron after coding-DNA position 2290, G replaced by A.
Molecular consequence: intron variant.
Genome position (GRCh38, 1-based): chr5:179,132,227, C>T on the plus strand (G>A on the coding strand, the complement: ADAMTS2 is on the minus strand). VCF-style: chr5-179132227-C-T. GRCh37 (hg19) VCF-style: chr5-178559228-C-T.
Identifiers: ClinVar variation 4848891 (VCV004848891.1).
Genomic context (GRCh38, chr5:179,132,227, plus strand): 5'-TGCCCATTGATCCCAGAGGAGCCAGGTCCTGAGGACGTCAAGTTGTCCGGCTCTGAGACT[C>T]ACCCAGATGGTGGCTGGTGGCGTCTACCTCCTGAATGAGCAGGTGTCTGGCTCCTGCAGG-3'